The following is an entry in ClinVar:

NM_005045.4(RELN):c.8212C>T (p.Arg2738Trp)

Genes: RELN (reelin; minus strand), SLC26A5-AS1 (SLC26A5 antisense RNA 1; plus strand). Cytogenetic location: 7q22.1.
Variant type: single nucleotide variant.
Coding change: c.8212C>T on transcript NM_005045.4 (MANE Select); coding-DNA position 8212, C replaced by T.
Protein change: p.Arg2738Trp; replaces arginine 2738 with tryptophan.
Molecular consequence: missense variant.
Genome position (GRCh38, 1-based): chr7:103,510,913, G>A on the plus strand (C>T on the coding strand, the complement: RELN is on the minus strand). VCF-style: chr7-103510913-G-A. GRCh37 (hg19) VCF-style: chr7-103151360-G-A.
Other names: c.8212C>T, p.Arg2738Trp (NM_173054.3); short protein forms R2738W.
Identifiers: ClinVar variation 498237 (VCV000498237.17), dbSNP rs202166176, ClinGen allele CA4420533.

ClinVar aggregate classification (germline): Conflicting classifications of pathogenicity. Review status: criteria provided, conflicting classifications (1 of 4 stars). 6 submissions from 6 submitters: Uncertain significance (4); Likely benign (2). Last evaluated 2026-02-03.

Conditions:
Familial temporal lobe epilepsy 7. Identifiers: Orphanet 101046, MedGen C4225327, MONDO:0014639, OMIM 616436.
Norman-Roberts syndrome (LIS2). Also called: Lissencephaly 2 (Norman-Roberts type). Identifiers: Orphanet 89844, MedGen C0796089, MONDO:0009760, OMIM 257320.
RELN-related disorder. Also called: RELN-related condition.
Epilepsy, familial temporal lobe, 1. Identifiers: Orphanet 101046, MedGen CN030884, MONDO:0700090, OMIM 600512.
Inborn genetic diseases. Identifiers: MedGen C0950123, MeSH D030342.

Allele frequency attached by ClinVar (database versions not stated): TOPMed 0.00007; gnomAD exomes 0.00011 and 0.00022; 1000 Genomes Project 30x 0.00016; gnomAD 0.00016; 1000 Genomes Project 0.00020; ExAC 0.00027.
gnomAD v4.1: 171 of 1,612,890 alleles (0.011%); highest among the groups gnomAD compares: Admixed American, 0.037%; 1 homozygote.

Submissions (6):

Labcorp Genetics (formerly Invitae), Labcorp
Classification: Likely benign for Familial temporal lobe epilepsy 7; Norman-Roberts syndrome. Last evaluated: 2026-02-03. Review status: criteria provided, single submitter. Criteria: Invitae Variant Classification Sherloc (09022015). Collection method: clinical testing. Allele origin: germline.

PreventionGenetics, part of Exact Sciences
Classification: Likely benign for RELN-related condition. Last evaluated: 2025-09-07. Review status: criteria provided, single submitter. Criteria: ACMG Guidelines, 2015. Collection method: clinical testing. Allele origin: germline.
Comment: This variant is classified as likely benign based on ACMG/AMP sequence variant interpretation guidelines (Richards et al. 2015 PMID: 25741868, with internal and published modifications).

Blueprint Genetics
Classification: Uncertain significance. Last evaluated: 2024-11-04. Review status: criteria provided, single submitter. Criteria: ACMG Guidelines, 2015. Collection method: clinical testing. Allele origin: germline.

Ambry Genetics
Classification: Uncertain significance for Inborn genetic diseases. Last evaluated: 2022-01-27. Review status: criteria provided, single submitter. Criteria: Ambry Variant Classification Scheme 2023. Collection method: clinical testing. Allele origin: germline.
Comment: Unlikely to be causative of RELN-related lateral temporal epilepsy (AD) Based on insufficient or conflicting evidence, the clinical significance of this alteration remains unclear.

Fulgent Genetics
Classification: Uncertain significance for Norman-Roberts syndrome; Epilepsy, familial temporal lobe, 1; Familial temporal lobe epilepsy 7. Last evaluated: 2021-09-03. Review status: criteria provided, single submitter. Criteria: ACMG Guidelines, 2015. Collection method: clinical testing. Allele origin: unknown.

Eurofins Ntd Llc (ga)
Classification: Uncertain significance. Last evaluated: 2016-11-29. Review status: criteria provided, single submitter. Criteria: EGL Classification Definitions 2015. Collection method: clinical testing. Allele origin: germline. Observed: 1 variant allele, 1 heterozygote.